The following is an entry in ClinVar:

NM_001374828.1(ARID1B):c.428A>G (p.Glu143Gly)

Genes: ARID1B (AT-rich interaction domain 1B; plus strand), LOC115308161 (uncharacterized LOC115308161; minus strand), LOC129997524 (ATAC-STARR-seq lymphoblastoid silent region 17711; plus strand). Cytogenetic location: 6q25.3.
Variant type: single nucleotide variant.
Coding change: c.428A>G on transcript NM_001374828.1 (MANE Select); coding-DNA position 428, A replaced by G.
Protein change: p.Glu143Gly; replaces glutamic acid 143 with glycine.
Molecular consequence: missense variant.
Genome position (GRCh38, 1-based): chr6:156,778,108, A>G. VCF-style: chr6-156778108-A-G. GRCh37 (hg19) VCF-style: chr6-157099242-A-G.
Other names: c.179A>G (NM_020732.3); c.428A>G, p.Glu143Gly (NM_001371656.1, NM_001374820.1, NM_017519.3); short protein forms E143G.
Identifiers: ClinVar variation 1216025 (VCV001216025.3), dbSNP rs1778779311, ClinGen allele CA366381285.

ClinVar aggregate classification (germline): Uncertain significance (1 of 4 stars; one submission).

Allele frequency attached by ClinVar (database versions not stated): gnomAD exomes below 0.00001; TOPMed 0.00001.
gnomAD v4.1: 2 of 1,540,462 alleles (0.00013%); highest among the groups gnomAD compares: Non-Finnish European, 0.000087%; no homozygotes.

Submission:

GeneDx
Classification: Uncertain significance. Last evaluated: 2020-12-16. Review status: criteria provided, single submitter. Criteria: GeneDx Variant Classification Process June 2021. Collection method: clinical testing. Allele origin: germline. Affected: yes.
Comment: Not observed in large population cohorts (Lek et al., 2016); In silico analysis supports that this missense variant does not alter protein structure/function; Has not been previously published as pathogenic or benign to our knowledge